The following is an entry in ClinVar:

ClinVar aggregate classification (germline): Likely benign (0 of 4 stars; one submission).

Conditions:
FLT4-related disorder. Also called: FLT4-related condition.

Allele frequency attached by ClinVar (database versions not stated): gnomAD 0.00001; gnomAD exomes 0.00001; ExAC 0.00002.
gnomAD v4.1: 9 of 1,613,890 alleles (0.00056%); highest among the groups gnomAD compares: South Asian, 0.0099%; no homozygotes.

Submission:

PreventionGenetics, part of Exact Sciences
Classification: Likely benign for FLT4-related condition. Last evaluated: 2019-04-25. Review status: no assertion criteria provided. Collection method: clinical testing. Allele origin: germline.
Comment: This variant is classified as likely benign based on ACMG/AMP sequence variant interpretation guidelines (Richards et al. 2015 PMID: 25741868, with internal and published modifications).

NM_182925.5(FLT4):c.3186C>T (p.Ile1062=)

Gene: FLT4 (fms related receptor tyrosine kinase 4; minus strand). Cytogenetic location: 5q35.3.
Variant type: single nucleotide variant.
Coding change: c.3186C>T on transcript NM_182925.5 (MANE Select); coding-DNA position 3186, C replaced by T.
Protein change: p.Ile1062=; no amino-acid change (isoleucine 1062 retained).
Molecular consequence: synonymous variant.
Genome position (GRCh38, 1-based): chr5:180,616,400, G>A on the plus strand (C>T on the coding strand, the complement: FLT4 is on the minus strand). VCF-style: chr5-180616400-G-A. GRCh37 (hg19) VCF-style: chr5-180043400-G-A.
Other names: c.3186C>T, p.Ile1062= (NM_001354989.2, NM_002020.5).
Identifiers: ClinVar variation 3057532 (VCV003057532.2), dbSNP rs754111052, ClinGen allele CA3605969.